The following is an entry in ClinVar:

ClinVar aggregate classification (germline): Benign. Review status: criteria provided, multiple submitters, no conflicts (2 of 4 stars). 5 submissions from 5 submitters: Benign (2). 3 of the submissions do not count toward it. Last evaluated 2015-03-03.

Conditions:
Familial cancer of breast. Also called: BREAST CANCER, FAMILIAL; hereditary breast carcinoma; Hereditary breast cancer. Identifiers: Orphanet 227535, MedGen C0346153, MONDO:0016419, OMIM 114480. Disease mechanism: loss of function.

Allele frequency attached by ClinVar (database versions not stated): 1000 Genomes Project 30x 0.99688; gnomAD exomes 0.99916; gnomAD 0.99943 and 0.99999; TOPMed 0.99992.

Submissions (5):

GeneDx
Classification: Benign. Last evaluated: 2015-03-03. Review status: criteria provided, single submitter. Criteria: GeneDx Variant Classification Process June 2021. Collection method: clinical testing. Allele origin: germline. Affected: yes.

Breakthrough Genomics
Classification: Benign. Review status: criteria provided, single submitter. Criteria: ACMG Guidelines, 2015. Collection method: not provided. Allele origin: germline. Inheritance: Autosomal dominant inheritance. Affected: yes.

Leiden Open Variation Database
Classification: Likely benign for Familial cancer of breast. Last evaluated: 2019-05-13. Review status: no assertion criteria provided. Collection method: curation. Allele origin: germline. Affected: yes. Not counted in ClinVar's aggregate classification.
Comment: Curators: Marc Tischkowitz, Arleen D. Auerbach. Submitter to LOVD: Marc Tischkowitz.

Clinical Genetics Laboratory, Department of Pathology, Netherlands Cancer Institute
Classification: Benign. Review status: no assertion criteria provided. Collection method: clinical testing. Allele origin: germline. Affected: yes. Study: VKGL Data-share Consensus. Not counted in ClinVar's aggregate classification.

Joint Genome Diagnostic Labs from Nijmegen and Maastricht, Radboudumc and MUMC+
Classification: Benign. Review status: no assertion criteria provided. Collection method: clinical testing. Allele origin: germline. Affected: yes. Study: VKGL Data-share Consensus. Not counted in ClinVar's aggregate classification.

Literature cited by the submitters: PubMed 19333784 (cited by Leiden Open Variation Database); PubMed 23824750 (cited by Leiden Open Variation Database).

NM_024675.4(PALB2):c.3114-51=

Gene: PALB2 (partner and localizer of BRCA2; minus strand). Cytogenetic location: 16p12.2.
Variant type: single nucleotide variant.
Coding change: c.3114-51= on transcript NM_024675.4 (MANE Select); 51 bases into the intron before coding-DNA position 3114, no change from the reference sequence.
Molecular consequence: intron variant.
Genome position: GRCh38 VCF-style: chr16-23614142-T-T. GRCh37 (hg19) VCF-style: chr16-23625463-A-T.
Other names: NM_024675.3:c.3114-51T>A.
Identifiers: ClinVar variation 126714 (VCV000126714.8), dbSNP rs249936.